The following is an entry in ClinVar:

ClinVar aggregate classification (germline): Uncertain significance (1 of 4 stars; one submission).

Conditions:
Familial temporal lobe epilepsy 7. Identifiers: Orphanet 101046, MedGen C4225327, MONDO:0014639, OMIM 616436.
Norman-Roberts syndrome (LIS2). Also called: Lissencephaly 2 (Norman-Roberts type). Identifiers: Orphanet 89844, MedGen C0796089, MONDO:0009760, OMIM 257320.

gnomAD v4.1: 1 of 1,614,100 alleles (0.000062%); highest among the groups gnomAD compares: Non-Finnish European, 0.000085%; no homozygotes.

Submission:

Labcorp Genetics (formerly Invitae), Labcorp
Classification: Uncertain significance for Familial temporal lobe epilepsy 7; Norman-Roberts syndrome. Last evaluated: 2021-02-19. Review status: criteria provided, single submitter. Criteria: Invitae Variant Classification Sherloc (09022015). Collection method: clinical testing. Allele origin: germline.
Comment: In summary, the available evidence is currently insufficient to determine the role of this variant in disease. Therefore, it has been classified as a Variant of Uncertain Significance. Algorithms developed to predict the effect of sequence changes on RNA splicing suggest that this variant may create or strengthen a splice site, but this prediction has not been confirmed by published transcriptional studies. Algorithms developed to predict the effect of missense changes on protein structure and function are either unavailable or do not agree on the potential impact of this missense change (SIFT: "Deleterious"; PolyPhen-2: "Benign"; Align-GVGD: "Class C0"). This variant has not been reported in the literature in individuals with RELN-related conditions. This variant is not present in population databases (ExAC no frequency). This sequence change replaces asparagine with aspartic acid at codon 3097 of the RELN protein (p.Asn3097Asp). The asparagine residue is moderately conserved and there is a small physicochemical difference between asparagine and aspartic acid.

NM_005045.4(RELN):c.9289A>G (p.Asn3097Asp)

Genes: SLC26A5-AS1 (SLC26A5 antisense RNA 1; plus strand), RELN (reelin; minus strand). Cytogenetic location: 7q22.1.
Variant type: single nucleotide variant.
Coding change: c.9289A>G on transcript NM_005045.4 (MANE Select); coding-DNA position 9289, A replaced by G.
Protein change: p.Asn3097Asp; replaces asparagine 3097 with aspartic acid.
Molecular consequence: missense variant.
Genome position (GRCh38, 1-based): chr7:103,495,803, T>C on the plus strand (A>G on the coding strand, the complement: RELN is on the minus strand). VCF-style: chr7-103495803-T-C. GRCh37 (hg19) VCF-style: chr7-103136250-T-C.
Other names: c.9289A>G, p.Asn3097Asp (NM_173054.3); short protein forms N3097D.
Identifiers: ClinVar variation 1472494 (VCV001472494.8), dbSNP rs2117018592, ClinGen allele CA368749055.
Genomic context (GRCh38, chr7:103,495,803, plus strand): 5'-CTGGCTGTATAATGAGTTCTCGGGAGGAGAGAGCATTGTGAGTCTTGTCCTTCTTTTTAT[T>C]TGGCCAATAGAGGTGAAAGGATGGATTGCCACAAAATCCTGCTGTCCTTACAGCATTAGG-3'
Protein context (NP_005036.2, residues 3087-3107): GNPSFHLYWP[Asn3097Asp]KKKDKTHNAL